The following is an entry in ClinVar:

ClinVar aggregate classification (germline): Uncertain significance (1 of 4 stars; one submission).

Conditions:
Hereditary pancreatitis (PCTT). Also called: Hereditary chronic pancreatitis; PRSS1-Related Hereditary Pancreatitis. Identifiers: Orphanet 676, MedGen C0238339, MONDO:0008185, OMIM 167800.

Submission:

Ambry Genetics
Classification: Uncertain significance for Hereditary pancreatitis. Last evaluated: 2025-07-31. Review status: criteria provided, single submitter. Criteria: Ambry Variant Classification Scheme 2023. Collection method: clinical testing. Allele origin: germline.
Comment: The p.D156G variant (also known as c.467A>G), located in coding exon 4 of the PRSS1 gene, results from an A to G substitution at nucleotide position 467. The aspartic acid at codon 156 is replaced by glycine, an amino acid with similar properties. This amino acid position is conserved. In addition, the in silico prediction for this alteration is inconclusive. Since supporting evidence is limited at this time, the clinical significance of this alteration remains unclear.

NM_002769.5(PRSS1):c.467A>G (p.Asp156Gly)

Genes: TRB (T cell receptor beta locus; plus strand), PRSS1 (serine protease 1; plus strand). Cytogenetic location: 7q34.
Variant type: single nucleotide variant.
Coding change: c.467A>G on transcript NM_002769.5 (MANE Select); coding-DNA position 467, A replaced by G.
Protein change: p.Asp156Gly; replaces aspartic acid 156 with glycine.
Molecular consequence: missense variant. On other transcripts: non-coding transcript variant (5).
Genome position (GRCh38, 1-based): chr7:142,752,443, A>G. VCF-style: chr7-142752443-A-G. GRCh37 (hg19) VCF-style: chr7-142460294-A-G.
Other names: short protein forms D156G.
Identifiers: ClinVar variation 1742374 (VCV001742374.3), dbSNP rs1798825658, ClinGen allele CA369609413.